The following is an entry in ClinVar:

ClinVar aggregate classification (germline): Uncertain significance (1 of 4 stars; one submission).

Conditions:
Bloom syndrome (BLM). Also called: Bloom-Torre-Machacek syndrome. Identifiers: Orphanet 125, MedGen C0005859, MONDO:0008876, OMIM 210900.

Submission:

Labcorp Genetics (formerly Invitae), Labcorp
Classification: Uncertain significance for Bloom syndrome. Last evaluated: 2025-05-25. Review status: criteria provided, single submitter. Criteria: Invitae Variant Classification Sherloc (09022015). Collection method: clinical testing. Allele origin: germline.
Comment: This sequence change replaces arginine, which is basic and polar, with glycine, which is neutral and non-polar, at codon 132 of the BLM protein (p.Arg132Gly). This variant is not present in population databases (gnomAD no frequency). This variant has not been reported in the literature in individuals affected with BLM-related conditions. An algorithm developed to predict the effect of missense changes on protein structure and function (PolyPhen-2) suggests that this variant is likely to be tolerated. In summary, the available evidence is currently insufficient to determine the role of this variant in disease. Therefore, it has been classified as a Variant of Uncertain Significance.

NM_000057.4(BLM):c.394C>G (p.Arg132Gly)

Gene: BLM (BLM RecQ like helicase; plus strand). Cytogenetic location: 15q26.1.
Variant type: single nucleotide variant.
Coding change: c.394C>G on transcript NM_000057.4 (MANE Select); coding-DNA position 394, C replaced by G.
Protein change: p.Arg132Gly; replaces arginine 132 with glycine.
Molecular consequence: missense variant. On other transcripts: 5 prime UTR variant (1).
Genome position (GRCh38, 1-based): chr15:90,749,662, C>G. VCF-style: chr15-90749662-C-G. GRCh37 (hg19) VCF-style: chr15-91292892-C-G.
Other names: c.394C>G, p.Arg132Gly (NM_001287246.2, NM_001287247.2); c.-898C>G (NM_001287248.2); short protein forms R132G.
Identifiers: ClinVar variation 4737047 (VCV004737047.1).
Genomic context (GRCh38, chr15:90,749,662, plus strand): 5'-TTGCAGACTCCGAAGGAAGTTGTATGCACTACCCAAAACACACCAACTGTAAAGAAATCC[C>G]GGGATACTGCTCTCAAGAAATTAGAATTTAGTTCTTCACCAGATTCTTTAAGTACCATCA-3'
Protein context (NP_000048.1, residues 122-142): TQNTPTVKKS[Arg132Gly]DTALKKLEFS